The following is an entry in ClinVar:

ClinVar aggregate classification (germline): Pathogenic/Likely pathogenic. Review status: criteria provided, multiple submitters, no conflicts (2 of 4 stars). 8 submissions from 8 submitters: Pathogenic (7); Likely pathogenic (1). Last evaluated 2026-09-01.

Conditions:
Polycystic kidney disease, adult type (PKD1). Also called: Polycystic Kidney, Autosomal Dominant; POLYCYSTIC KIDNEY DISEASE 1 WITH OR WITHOUT POLYCYSTIC LIVER DISEASE; Polycystic Kidney Disease 1, Autosomal Dominant; Polycystic kidney disease 1; Polycystic kidney disease 1, severe; POLYCYSTIC KIDNEY DISEASE, ADULT, TYPE I. Identifiers: MedGen C3149841, MONDO:0008263, OMIM 173900.
Cystic renal disease.
PKD1-related disorder. Also called: PKD1-related condition.

Submissions (8):

CeGaT Center for Human Genetics Tuebingen
Classification: Pathogenic. Last evaluated: 2026-09-01. Review status: criteria provided, single submitter. Criteria: CeGaT Center For Human Genetics Tuebingen Variant Classification Criteria Version 2. Collection method: clinical testing. Allele origin: germline. Affected: yes. Observed: 1 variant allele.
Comment: PKD1: PVS1, PM2, PS4:Supporting

Medical and Scientific Branch, Hong Kong Genome Institute
Classification: Pathogenic for Polycystic kidney disease, adult type. Last evaluated: 2026-01-26. Review status: criteria provided, single submitter. Criteria: ACMG Guidelines, 2015. Collection method: clinical testing. Allele origin: unknown. Affected: yes.

PreventionGenetics, part of Exact Sciences
Classification: Pathogenic for PKD1-related condition. Last evaluated: 2025-11-21. Review status: criteria provided, single submitter. Criteria: ACMG Guidelines, 2015. Collection method: clinical testing. Allele origin: germline.
Comment: The PKD1 c.5159G>A variant is predicted to result in premature protein termination (p.Trp1720*). This variant was reported in an individual with autosomal dominant polycystic kidney disease (ADPKD) (Table S1, Kimura et al. 2023. PubMed ID: 37509056). This variant has not been reported in a large population database (gnomAD), indicating this variant is rare. Nonsense variants in PKD1 are expected to be pathogenic. This variant is interpreted as pathogenic.

Genetics Laboratory, Great Ormond Street Hospital NHS Foundation Trust, North Thames Genomic Laboratory Hub
Classification: Pathogenic for Cystic renal disease. Last evaluated: 2025-10-16. Review status: criteria provided, single submitter. Criteria: ACGS Best Practice Guidelines for Variant Classification in Rare Disease 2024 v1.2. Collection method: clinical testing. Allele origin: germline. Affected: yes.
Comment: PS4_supporting, PM2_moderate, PVS1_very-strong, PP4_supporting

Blueprint Genetics
Classification: Pathogenic for PKD1-related disorders. Last evaluated: 2024-10-24. Review status: criteria provided, single submitter. Criteria: ACMG Guidelines, 2015. Collection method: clinical testing. Allele origin: germline. Affected: yes. Observed: 3 variant alleles.

Victorian Clinical Genetics Services, Murdoch Childrens Research Institute
Classification: Pathogenic for Polycystic kidney disease, adult type. Last evaluated: 2024-10-10. Review status: criteria provided, single submitter. Criteria: ACMG Guidelines, 2015. Collection method: clinical testing. Allele origin: germline. Inheritance: Autosomal dominant inheritance. Affected: yes.
Comment: Based on the classification scheme VCGS_Germline_v1.3.5, this variant is classified as Pathogenic. Following criteria are met: 0102 - Loss of function is a known mechanism of disease in this gene and is associated with polycystic kidney disease 1 (MIM#173900). (I) 0107 - This gene is associated with autosomal dominant disease. Polycystic kidney disease 1 (MIM#173900) is predominantly caused by monoallelic variants, with rare reports of biallelic variants causing disease (OMIM). (I) 0201 - Variant is predicted to cause nonsense-mediated decay (NMD) and loss of protein (premature termination codon is located at least 54 nucleotides upstream of the final exon-exon junction). (SP) 0251 - This variant is heterozygous. (I) 0301 - Variant is absent from gnomAD (v2, v3 and v4). (SP) 0701 - Other NMD-predicted variants comparable to the one identified in this case have very strong previous evidence for pathogenicity (DECIPHER). (SP) 0803 - This variant has limited previous evidence of pathogenicity in unrelated individuals. This variant has been classified as pathogenic by a clinical laboratory in ClinVar, and an alternative nucleotide change causing the same protein outcome has been observed in an individual with ADPKD (internal VCGS data). (SP) 0905 - No published segregation evidence has been identified for this variant. (I) 1007 - No published functional evidence has been identified for this variant. (I) 1208 - Inheritance information for this variant is not currently available in this individual. (I) Legend: (SP) - Supporting pathogenic, (I) - Information, (SB) - Supporting benign

Clinical Genetics Laboratory, Skane University Hospital Lund
Classification: Likely pathogenic. Last evaluated: 2022-05-27. Review status: criteria provided, single submitter. Criteria: ACMG Guidelines, 2015. Collection method: clinical testing. Allele origin: germline. Affected: yes.

GeneDx
Classification: Pathogenic. Last evaluated: 2022-01-19. Review status: criteria provided, single submitter. Criteria: GeneDx Variant Classification Process June 2021. Collection method: clinical testing. Allele origin: germline. Affected: yes.
Comment: Nonsense variant predicted to result in protein truncation or nonsense mediated decay in a gene for which loss-of-function is a known mechanism of disease; Not observed at significant frequency in large population cohorts (gnomAD); Has not been previously published as pathogenic or benign to our knowledge

NM_001009944.3(PKD1):c.5159G>A (p.Trp1720Ter)

Gene: PKD1 (polycystin 1, transient receptor potential channel interacting; minus strand). Cytogenetic location: 16p13.3.
Variant type: single nucleotide variant.
Coding change: c.5159G>A on transcript NM_001009944.3 (MANE Select); coding-DNA position 5159, G replaced by A.
Protein change: p.Trp1720Ter; replaces tryptophan 1720 with a stop codon.
Molecular consequence: nonsense.
Genome position (GRCh38, 1-based): chr16:2,110,008, C>T on the plus strand (G>A on the coding strand, the complement: PKD1 is on the minus strand). VCF-style: chr16-2110008-C-T. GRCh37 (hg19) VCF-style: chr16-2160009-C-T.
Other names: c.5159G>A, p.Trp1720Ter (NM_000296.4); short protein forms W1720*.
Identifiers: ClinVar variation 1339640 (VCV001339640.9), dbSNP rs2151794620, ClinGen allele CA394378054.